The following is an entry in ClinVar:

ClinVar aggregate classification (germline): Conflicting classifications of pathogenicity. Review status: criteria provided, conflicting classifications (1 of 4 stars). 3 submissions from 3 submitters: Uncertain significance (1); Benign (1); Likely benign (1). Last evaluated 2026-07-26.

Conditions:
RAI1-related disorder. Also called: RAI1-related condition.

Allele frequency attached by ClinVar (database versions not stated): gnomAD 0.00001; gnomAD exomes 0.00002; TOPMed 0.00003.
gnomAD v4.1: 28 of 1,612,996 alleles (0.0017%); highest among the groups gnomAD compares: Non-Finnish European, 0.0019%; no homozygotes.

Submissions (3):

PreventionGenetics, part of Exact Sciences
Classification: Uncertain significance for RAI1-related condition. Last evaluated: 2026-07-26. Review status: criteria provided, single submitter. Criteria: ACMG Guidelines, 2015. Collection method: clinical testing. Allele origin: germline.
Comment: The RAI1 c.748C>G variant is predicted to result in the amino acid substitution p.Pro250Ala. To our knowledge, this variant has not been reported in the literature or in a large population database (gnomAD), indicating this variant is rare. However, in gnomAD v4 (available only on GRCh38), this variant is reported in 28 alleles globally, which is likely too common for a highly penetrant pathogenic variant. Although we suspect that this variant may be benign, at this time, the clinical significance of this variant is uncertain due to the absence of conclusive functional and genetic evidence.

Labcorp Genetics (formerly Invitae), Labcorp
Classification: Benign. Last evaluated: 2025-12-16. Review status: criteria provided, single submitter. Criteria: Invitae Variant Classification Sherloc (09022015). Collection method: clinical testing. Allele origin: germline.

CeGaT Center for Human Genetics Tuebingen
Classification: Likely benign. Last evaluated: 2021-11-01. Review status: criteria provided, single submitter. Criteria: CeGaT Center For Human Genetics Tuebingen Variant Classification Criteria Version 2. Collection method: clinical testing. Allele origin: germline. Affected: yes. Observed: 1 variant allele.

NM_030665.4(RAI1):c.748C>G (p.Pro250Ala)

Gene: RAI1 (retinoic acid induced 1; plus strand). Cytogenetic location: 17p11.2.
Variant type: single nucleotide variant.
Coding change: c.748C>G on transcript NM_030665.4 (MANE Select); coding-DNA position 748, C replaced by G.
Protein change: p.Pro250Ala; replaces proline 250 with alanine.
Molecular consequence: missense variant.
Genome position (GRCh38, 1-based): chr17:17,793,696, C>G. VCF-style: chr17-17793696-C-G. GRCh37 (hg19) VCF-style: chr17-17697010-C-G.
Other names: c.748C>G (NM_030665.3); short protein forms P250A.
Identifiers: ClinVar variation 1335261 (VCV001335261.42), dbSNP rs988555614, ClinGen allele CA288367224.